The following is an entry in ClinVar:

ClinVar aggregate classification (germline): Uncertain significance (1 of 4 stars; one submission).

Conditions:
Retinitis pigmentosa 73 (RP73). Identifiers: Orphanet 791, MedGen C4225287, MONDO:0014687, OMIM 616544.
Mucopolysaccharidosis, MPS-III-C (MPS3C). Also called: SANFILIPPO SYNDROME C; MPS III C; MUCOPOLYSACCHARIDOSIS, TYPE IIIC; Mucopolysaccharidosis type IIIC (Sanfilippo C); mucopolysaccharidosis type 3C; MPS IIIC (Sanfilippo Syndrome Type C). Identifiers: Orphanet 581, Orphanet 79271, MedGen C0086649, MONDO:0009657, OMIM 252930.

Allele frequency attached by ClinVar (database versions not stated): gnomAD exomes 0.00002; TOPMed 0.00002.
gnomAD v4.1: 28 of 1,571,684 alleles (0.0018%); highest among the groups gnomAD compares: Non-Finnish European, 0.0023%; no homozygotes.

Submission:

Labcorp Genetics (formerly Invitae), Labcorp
Classification: Uncertain significance for Retinitis pigmentosa 73; Mucopolysaccharidosis, MPS-III-C. Last evaluated: 2022-03-12. Review status: criteria provided, single submitter. Criteria: Invitae Variant Classification Sherloc (09022015). Collection method: clinical testing. Allele origin: germline.
Comment: This sequence change replaces asparagine, which is neutral and polar, with histidine, which is basic and polar, at codon 194 of the HGSNAT protein (p.Asn194His). This variant is present in population databases (no rsID available, gnomAD 0.003%). This variant has not been reported in the literature in individuals affected with HGSNAT-related conditions. Advanced modeling of protein sequence and biophysical properties (such as structural, functional, and spatial information, amino acid conservation, physicochemical variation, residue mobility, and thermodynamic stability) performed at Invitae indicates that this missense variant is not expected to disrupt HGSNAT protein function. In summary, the available evidence is currently insufficient to determine the role of this variant in disease. Therefore, it has been classified as a Variant of Uncertain Significance.

NM_152419.3(HGSNAT):c.580A>C (p.Asn194His)

Gene: HGSNAT (heparan-alpha-glucosaminide N-acetyltransferase; plus strand). Cytogenetic location: 8p11.21.
Variant type: single nucleotide variant.
Coding change: c.580A>C on transcript NM_152419.3 (MANE Select); coding-DNA position 580, A replaced by C.
Protein change: p.Asn194His; replaces asparagine 194 with histidine.
Molecular consequence: missense variant. On other transcripts: 5 prime UTR variant (1).
Genome position (GRCh38, 1-based): chr8:43,169,189, A>C. VCF-style: chr8-43169189-A-C. GRCh37 (hg19) VCF-style: chr8-43024332-A-C.
Other names: c.580A>C, p.Asn194His (NM_001363227.2, NM_001363228.2); c.-254A>C (NM_001363229.2); short protein forms N194H.
Identifiers: ClinVar variation 2188720 (VCV002188720.1), dbSNP rs1414288407, ClinGen allele CA371115929.